The following is an entry in ClinVar:

NM_001387274.1(DCDC1):c.534T>G (p.Ala178=)

Genes: DCDC1 (doublecortin domain containing 1; minus strand), LOC126861175 (CDK7 strongly-dependent group 2 enhancer GRCh37_chr11:31326823-31328022; plus strand). Cytogenetic location: 11p13.
Variant type: single nucleotide variant.
Coding change: c.534T>G on transcript NM_001387274.1 (MANE Select); coding-DNA position 534, T replaced by G.
Protein change: p.Ala178=; no amino-acid change (alanine 178 retained).
Molecular consequence: synonymous variant. On other transcripts: non-coding transcript variant (1).
Genome position (GRCh38, 1-based): chr11:31,306,289, A>C on the plus strand (T>G on the coding strand, the complement: DCDC1 is on the minus strand). VCF-style: chr11-31306289-A-C. GRCh37 (hg19) VCF-style: chr11-31327836-A-C.
Other names: c.534T>G (NM_181807.3); c.534T>G, p.Ala178= (NM_001367979.1, NM_181807.4).
Identifiers: ClinVar variation 1951466 (VCV001951466.7), dbSNP rs16922066, ClinGen allele CA5932627.
Genomic context (GRCh38, chr11:31,306,289, plus strand): 5'-TACCAAGGTGATGGTTGGTACAGTAACTCTGGCAAAGACTGTTCTAGATCCATTTTTGTA[A>C]GCTGTTACTTTAATCACTCTTGGTTGAAGTTTGTGTCTTTGAGACAATTTCTGCCAATTC-3'
Protein context (NP_001374203.1, residues 168-188): KLQPRVIKVT[Ala178=]YKNGSRTVFA

ClinVar aggregate classification (germline): Benign. Review status: criteria provided, single submitter (1 of 4 stars). 2 submissions from 2 submitters: Benign (1). 1 of the submissions does not count toward it. Last evaluated 2026-01-25.

Conditions:
DCDC1-related disorder. Also called: DCDC1-related condition.

Allele frequency attached by ClinVar (database versions not stated): ExAC 0.00632; 1000 Genomes Project 0.01957; ESP Exome Variant Server 0.02500; 1000 Genomes Project 30x 0.02046; gnomAD 0.02067; TOPMed 0.02398; gnomAD exomes 0.00187.
gnomAD v4.1: 5,997 of 1,610,386 alleles (0.37%); highest among the groups gnomAD compares: African/African-American, 7%; 196 homozygotes.

Submissions (2):

Labcorp Genetics (formerly Invitae), Labcorp
Classification: Benign. Last evaluated: 2026-01-25. Review status: criteria provided, single submitter. Criteria: Invitae Variant Classification Sherloc (09022015). Collection method: clinical testing. Allele origin: germline.

PreventionGenetics, part of Exact Sciences
Classification: Benign for DCDC1-related condition. Last evaluated: 2019-06-26. Review status: no assertion criteria provided. Collection method: clinical testing. Allele origin: germline. Not counted in ClinVar's aggregate classification.
Comment: This variant is classified as benign based on ACMG/AMP sequence variant interpretation guidelines (Richards et al. 2015 PMID: 25741868, with internal and published modifications).